The following is an entry in ClinVar:

NM_030787.4(CFHR5):c.751T>C (p.Cys251Arg)

Gene: CFHR5 (complement factor H related 5; plus strand). Cytogenetic location: 1q31.3.
Variant type: single nucleotide variant.
Coding change: c.751T>C on transcript NM_030787.4 (MANE Select); coding-DNA position 751, T replaced by C.
Protein change: p.Cys251Arg; replaces cysteine 251 with arginine.
Molecular consequence: missense variant.
Genome position (GRCh38, 1-based): chr1:196,995,860, T>C. VCF-style: chr1-196995860-T-C. GRCh37 (hg19) VCF-style: chr1-196964990-T-C.
Other names: short protein forms C251R.
Identifiers: ClinVar variation 2414097 (VCV002414097.7), dbSNP rs755233985, ClinGen allele CA1307851.

ClinVar aggregate classification (germline): Uncertain significance (1 of 4 stars; one submission).

Allele frequency attached by ClinVar (database versions not stated): TOPMed below 0.00001; gnomAD exomes 0.00001; ExAC 0.00003.
gnomAD v4.1: 8 of 1,613,350 alleles (0.0005%); highest among the groups gnomAD compares: Admixed American, 0.01%; no homozygotes.

Submission:

Labcorp Genetics (formerly Invitae), Labcorp
Classification: Uncertain significance. Last evaluated: 2025-07-21. Review status: criteria provided, single submitter. Criteria: Invitae Variant Classification Sherloc (09022015). Collection method: clinical testing. Allele origin: germline.
Comment: This sequence change replaces cysteine, which is neutral and slightly polar, with arginine, which is basic and polar, at codon 251 of the CFHR5 protein (p.Cys251Arg). This variant is present in population databases (rs755233985, gnomAD 0.01%). This variant has not been reported in the literature in individuals affected with CFHR5-related conditions. ClinVar contains an entry for this variant (Variation ID: 2414097). Invitae Evidence Modeling of protein sequence and biophysical properties (such as structural, functional, and spatial information, amino acid conservation, physicochemical variation, residue mobility, and thermodynamic stability) indicates that this missense variant is expected to disrupt CFHR5 protein function with a positive predictive value of 80%. In summary, the available evidence is currently insufficient to determine the role of this variant in disease. Therefore, it has been classified as a Variant of Uncertain Significance.